The following is an entry in ClinVar:

ClinVar aggregate classification (germline): Uncertain significance (1 of 4 stars; one submission).

Allele frequency attached by ClinVar (database versions not stated): gnomAD exomes 0.00001; ExAC 0.00002; gnomAD 0.00003.
gnomAD v4.1: 15 of 1,609,572 alleles (0.00093%); highest among the groups gnomAD compares: East Asian, 0.025%; no homozygotes.

Submission:

Labcorp Genetics (formerly Invitae), Labcorp
Classification: Uncertain significance. Last evaluated: 2025-10-20. Review status: criteria provided, single submitter. Criteria: Invitae Variant Classification Sherloc (09022015). Collection method: clinical testing. Allele origin: germline.
Comment: This sequence change replaces threonine, which is neutral and polar, with alanine, which is neutral and non-polar, at codon 670 of the MPDZ protein (p.Thr670Ala). The frequency data for this variant in the population databases is considered unreliable, as metrics indicate poor data quality at this position in the gnomAD database. This variant has not been reported in the literature in individuals affected with MPDZ-related conditions. ClinVar contains an entry for this variant (Variation ID: 2178265). An algorithm developed to predict the effect of missense changes on protein structure and function (PolyPhen-2) suggests that this variant is likely to be tolerated. In summary, the available evidence is currently insufficient to determine the role of this variant in disease. Therefore, it has been classified as a Variant of Uncertain Significance.

NM_001378778.1(MPDZ):c.2008A>G (p.Thr670Ala)

Gene: MPDZ (multiple PDZ domain crumbs cell polarity complex component; minus strand). Cytogenetic location: 9p23.
Variant type: single nucleotide variant.
Coding change: c.2008A>G on transcript NM_001378778.1 (MANE Select); coding-DNA position 2008, A replaced by G.
Protein change: p.Thr670Ala; replaces threonine 670 with alanine.
Molecular consequence: missense variant.
Genome position (GRCh38, 1-based): chr9:13,190,260, T>C on the plus strand (A>G on the coding strand, the complement: MPDZ is on the minus strand). VCF-style: chr9-13190260-T-C. GRCh37 (hg19) VCF-style: chr9-13190259-T-C.
Other names: c.2008A>G, p.Thr670Ala (NM_001261406.2, NM_001261407.2, NM_001330637.2 and 14 more transcripts); short protein forms T670A.
Identifiers: ClinVar variation 2178265 (VCV002178265.4), dbSNP rs771692493, ClinGen allele CA4987592.